The following is an entry in ClinVar:

ClinVar aggregate classification (germline): Pathogenic. Review status: criteria provided, multiple submitters, no conflicts (2 of 4 stars). 2 submissions from 2 submitters: Pathogenic (2). Last evaluated 2024-05-08.

Conditions:
Primary ciliary dyskinesia 3. Identifiers: Orphanet 244, MedGen C1837618, MONDO:0012085, OMIM 608644.
Primary ciliary dyskinesia. Also called: Ciliary dyskinesia. Identifiers: Orphanet 244, MedGen C0008780, MONDO:0016575, HP:0012265.

gnomAD v4.1: 1 of 1,614,110 alleles (0.000062%); highest among the groups gnomAD compares: Non-Finnish European, 0.000085%; no homozygotes.

Submissions (2):

Myriad Genetics, Inc.
Classification: Pathogenic for Primary ciliary dyskinesia 3. Last evaluated: 2024-05-08. Review status: criteria provided, single submitter. Criteria: Myriad Autosomal Dominant, Autosomal Recessive and X-Linked Classification Criteria (2023). Collection method: clinical testing. Allele origin: unknown.
Comment: NM_001369.2(DNAH5):c.3912T>G(Y1304*) is expected to be pathogenic in the context of primary ciliary dyskinesia, DNAH5-related. This variant is predicted to lead to an abnormal or absent protein product due to the creation of a premature termination codon in DNAH5, a gene where loss-of-function variants are known to be pathogenic. Please note: this variant was assessed in the context of healthy population screening.

Labcorp Genetics (formerly Invitae), Labcorp
Classification: Pathogenic for Primary ciliary dyskinesia. Last evaluated: 2022-06-04. Review status: criteria provided, single submitter. Criteria: Invitae Variant Classification Sherloc (09022015). Collection method: clinical testing. Allele origin: germline.
Comment: For these reasons, this variant has been classified as Pathogenic. This sequence change creates a premature translational stop signal (p.Tyr1304*) in the DNAH5 gene. It is expected to result in an absent or disrupted protein product. Loss-of-function variants in DNAH5 are known to be pathogenic (PMID: 11788826, 16627867). This variant is not present in population databases (gnomAD no frequency). This variant has not been reported in the literature in individuals affected with DNAH5-related conditions. ClinVar contains an entry for this variant (Variation ID: 949718). Algorithms developed to predict the effect of sequence changes on RNA splicing suggest that this variant may create or strengthen a splice site.

Literature cited by the submitters: PubMed 11788826 (cited by Labcorp Genetics (formerly Invitae), Labcorp); PubMed 16627867 (cited by Labcorp Genetics (formerly Invitae), Labcorp).

NM_001369.3(DNAH5):c.3912T>G (p.Tyr1304Ter)

Genes: DNAH5 (dynein axonemal heavy chain 5; minus strand), DNAH5-AS1 (DNAH5 antisense RNA 1; plus strand). Cytogenetic location: 5p15.2.
Variant type: single nucleotide variant.
Coding change: c.3912T>G on transcript NM_001369.3 (MANE Select); coding-DNA position 3912, T replaced by G.
Protein change: p.Tyr1304Ter; replaces tyrosine 1304 with a stop codon.
Molecular consequence: nonsense.
Genome position (GRCh38, 1-based): chr5:13,867,915, A>C on the plus strand (T>G on the coding strand, the complement: DNAH5 is on the minus strand). VCF-style: chr5-13867915-A-C. GRCh37 (hg19) VCF-style: chr5-13868024-A-C.
Other names: short protein forms Y1304*.
Identifiers: ClinVar variation 949718 (VCV000949718.9), dbSNP rs1769515132, ClinGen allele CA359229333.